The following is an entry in ClinVar:

ClinVar aggregate classification (germline): Uncertain significance (1 of 4 stars; one submission).

Conditions:
Cardiovascular phenotype. Identifiers: MedGen CN230736.

Submission:

Ambry Genetics
Classification: Uncertain significance for Cardiovascular phenotype. Last evaluated: 2024-12-09. Review status: criteria provided, single submitter. Criteria: Ambry Variant Classification Scheme 2023. Collection method: clinical testing. Allele origin: germline.
Comment: The c.2463G>A variant (also known as p.P821P), located in coding exon 30 of the CACNA2D1 gene, results from a G to A substitution at nucleotide position 2463. This nucleotide substitution does not change the amino acid at codon 821. This nucleotide position is well conserved in available vertebrate species. In silico splice site analysis for this alteration is inconclusive. Based on the available evidence, the clinical significance of this variant remains unclear.

NM_000722.4(CACNA2D1):c.2463G>A (p.Pro821=)

Gene: CACNA2D1 (calcium voltage-gated channel auxiliary subunit alpha2delta 1; minus strand). Cytogenetic location: 7q21.11.
Variant type: single nucleotide variant.
Coding change: c.2463G>A on transcript NM_000722.4 (MANE Select); coding-DNA position 2463, G replaced by A.
Protein change: p.Pro821=; no amino-acid change (proline 821 retained).
Molecular consequence: synonymous variant.
Genome position (GRCh38, 1-based): chr7:81,967,596, C>T on the plus strand (G>A on the coding strand, the complement: CACNA2D1 is on the minus strand). VCF-style: chr7-81967596-C-T. GRCh37 (hg19) VCF-style: chr7-81596912-C-T.
Other names: c.2499G>A, p.Pro833= (NM_001366867.1).
Identifiers: ClinVar variation 3484105 (VCV003484105.1).
Genomic context (GRCh38, chr7:81,967,596, plus strand): 5'-TTTTCTATTGAATTTTGAAAACATTAAACATAGCATAAGAATTTTTTAAAAATATCTTAC[C>T]GGATCTCTGATTGAGGTTTTGGTGAAATTCTCTATCCAGGAATTTACATCAATTTTAATT-3'
Protein context (NP_000713.2, residues 811-831): ENFTKTSIRD[Pro821=]CAGPVCDCKR